The following is an entry in ClinVar:

ClinVar aggregate classification (germline): Uncertain significance. Review status: criteria provided, multiple submitters, no conflicts (2 of 4 stars). 2 submissions from 2 submitters: Uncertain significance (2). Last evaluated 2022-05-31.

Allele frequency attached by ClinVar (database versions not stated): TOPMed below 0.00001; gnomAD 0.00001; gnomAD exomes 0.00001; ExAC 0.00002.

Submissions (3):

Labcorp Genetics (formerly Invitae), Labcorp
Classification: Uncertain significance. Last evaluated: 2022-05-31. Review status: criteria provided, single submitter. Criteria: Invitae Variant Classification Sherloc (09022015). Collection method: clinical testing. Allele origin: germline.
Comment: This sequence change replaces glycine, which is neutral and non-polar, with cysteine, which is neutral and slightly polar, at codon 623 of the ELP1 protein (p.Gly623Cys). This variant is present in population databases (rs150819862, gnomAD 0.003%). This variant has not been reported in the literature in individuals affected with ELP1-related conditions. Algorithms developed to predict the effect of missense changes on protein structure and function are either unavailable or do not agree on the potential impact of this missense change (SIFT: "Deleterious"; PolyPhen-2: "Probably Damaging"; Align-GVGD: "Class C0"). In summary, the available evidence is currently insufficient to determine the role of this variant in disease. Therefore, it has been classified as a Variant of Uncertain Significance.

Ambry Genetics
Classification: Uncertain significance. Last evaluated: 2022-04-07. Review status: criteria provided, single submitter. Criteria: Ambry Variant Classification Scheme 2023. Collection method: clinical testing. Allele origin: germline.
Comment: The p.G623C variant (also known as c.1867G>T), located in coding exon 16 of the IKBKAP gene, results from a G to T substitution at nucleotide position 1867. The glycine at codon 623 is replaced by cysteine, an amino acid with highly dissimilar properties. This amino acid position is conserved. In addition, this alteration is predicted to be deleterious by in silico analysis. Since supporting evidence is limited at this time, the clinical significance of this alteration remains unclear.

Dr. Peter K. Rogan Lab, Western University
No classification provided (evidence only). Condition: Familial cancer of breast. Review status: no classification provided. Collection method: in vitro. Allele origin: not applicable. Functional consequence: retained intron. Not counted in ClinVar's aggregate classification.

NM_003640.5(ELP1):c.1867G>T (p.Gly623Cys)

Gene: ELP1 (elongator acetyltransferase complex subunit 1; minus strand). Cytogenetic location: 9q31.3.
Variant type: single nucleotide variant.
Coding change: c.1867G>T on transcript NM_003640.5 (MANE Select); coding-DNA position 1867, G replaced by T.
Protein change: p.Gly623Cys; replaces glycine 623 with cysteine.
Molecular consequence: missense variant.
Genome position (GRCh38, 1-based): chr9:108,901,669, C>A on the plus strand (G>T on the coding strand, the complement: ELP1 is on the minus strand). VCF-style: chr9-108901669-C-A. GRCh37 (hg19) VCF-style: chr9-111663949-C-A.
Other names: c.1525G>T, p.Gly509Cys (NM_001318360.2); c.820G>T, p.Gly274Cys (NM_001330749.2); short protein forms G274C, G509C, G623C.
Identifiers: ClinVar variation 1800085 (VCV001800085.5), dbSNP rs150819862, ClinGen allele CA5174860.